The following is an entry in ClinVar:

ClinVar aggregate classification (germline): Uncertain significance. Review status: criteria provided, multiple submitters, no conflicts (2 of 4 stars). 2 submissions from 2 submitters: Uncertain significance (2). Last evaluated 2026-03-09.

Allele frequency attached by ClinVar (database versions not stated): gnomAD exomes below 0.00001.
gnomAD v4.1: 1 of 1,614,202 alleles (0.000062%); highest among the groups gnomAD compares: Non-Finnish European, 0.000085%; no homozygotes.

Submissions (2):

GeneDx
Classification: Uncertain significance. Last evaluated: 2026-03-09. Review status: criteria provided, single submitter. Criteria: GeneDx Variant Classification Process June 2021. Collection method: clinical testing. Allele origin: germline.
Comment: Not observed at significant frequency in large population cohorts (gnomAD); In silico analysis supports that this missense variant has a deleterious effect on protein structure/function; Has not been previously published as pathogenic or benign to our knowledge

Labcorp Genetics (formerly Invitae), Labcorp
Classification: Uncertain significance. Last evaluated: 2025-02-03. Review status: criteria provided, single submitter. Criteria: Invitae Variant Classification Sherloc (09022015). Collection method: clinical testing. Allele origin: germline.
Comment: This sequence change replaces glutamic acid, which is acidic and polar, with lysine, which is basic and polar, at codon 663 of the ACO2 protein (p.Glu663Lys). This variant is not present in population databases (gnomAD no frequency). This variant has not been reported in the literature in individuals affected with ACO2-related conditions. ClinVar contains an entry for this variant (Variation ID: 2786925). Invitae Evidence Modeling of protein sequence and biophysical properties (such as structural, functional, and spatial information, amino acid conservation, physicochemical variation, residue mobility, and thermodynamic stability) indicates that this missense variant is not expected to disrupt ACO2 protein function with a negative predictive value of 80%. In summary, the available evidence is currently insufficient to determine the role of this variant in disease. Therefore, it has been classified as a Variant of Uncertain Significance.

NM_001098.3(ACO2):c.1987G>A (p.Glu663Lys)

Genes: ACO2 (aconitase 2; plus strand), POLR3H (RNA polymerase III subunit H; minus strand). Cytogenetic location: 22q13.2.
Variant type: single nucleotide variant.
Coding change: c.1987G>A on transcript NM_001098.3 (MANE Select); coding-DNA position 1987, G replaced by A.
Protein change: p.Glu663Lys; replaces glutamic acid 663 with lysine.
Molecular consequence: missense variant. On other transcripts: 3 prime UTR variant (5).
Genome position (GRCh38, 1-based): chr22:41,527,321, G>A. VCF-style: chr22-41527321-G-A. GRCh37 (hg19) VCF-style: chr22-41923325-G-A.
Other names: c.1987G>A (NM_001098.2); c.*1962C>T (NM_001018050.4, NM_001018052.4, NM_001282884.2 and 2 more transcripts); short protein forms E663K.
Identifiers: ClinVar variation 2786925 (VCV002786925.4), dbSNP rs2066622042, ClinGen allele CA411728857.